The following is an entry in ClinVar:

ClinVar aggregate classification (germline): Uncertain significance. Review status: criteria provided, multiple submitters, no conflicts (2 of 4 stars). 4 submissions from 4 submitters: Uncertain significance (4). Last evaluated 2025-08-18.

Conditions:
Inborn genetic diseases. Identifiers: MedGen C0950123, MeSH D030342.
Fetal akinesia deformation sequence 1 (FADS1). Also called: Pena-Shokeir syndrome type I; Fetal akinesia sequence. Identifiers: Orphanet 994, MedGen C1276035, MONDO:0100101, OMIM 208150, HP:0001989.
Congenital myasthenic syndrome 9. Also called: Myasthenic syndrome, congenital, 9, associated with acetylcholine receptor deficiency. Identifiers: Orphanet 590, MedGen C4225368, MONDO:0014587, OMIM 616325.

Allele frequency attached by ClinVar (database versions not stated): gnomAD exomes 0.00004 and 0.00006; ExAC 0.00007; gnomAD 0.00022 and 0.00023; 1000 Genomes Project 30x 0.00031; TOPMed 0.00036; 1000 Genomes Project 0.00040; ESP Exome Variant Server 0.00049.
gnomAD v4.1: 87 of 1,613,902 alleles (0.0054%); highest among the groups gnomAD compares: African/African-American, 0.091%; no homozygotes.

Submissions (4):

Labcorp Genetics (formerly Invitae), Labcorp
Classification: Uncertain significance for Congenital myasthenic syndrome 9; Fetal akinesia deformation sequence 1. Last evaluated: 2025-08-18. Review status: criteria provided, single submitter. Criteria: Invitae Variant Classification Sherloc (09022015). Collection method: clinical testing. Allele origin: germline.
Comment: This sequence change replaces arginine, which is basic and polar, with tryptophan, which is neutral and slightly polar, at codon 367 of the MUSK protein (p.Arg367Trp). This variant is present in population databases (rs201014623, gnomAD 0.08%). This variant has not been reported in the literature in individuals affected with MUSK-related conditions. ClinVar contains an entry for this variant (Variation ID: 364605). Invitae Evidence Modeling of protein sequence and biophysical properties (such as structural, functional, and spatial information, amino acid conservation, physicochemical variation, residue mobility, and thermodynamic stability) has been performed for this missense variant. However, the output from this modeling did not meet the statistical confidence thresholds required to predict the impact of this variant on MUSK protein function. In summary, the available evidence is currently insufficient to determine the role of this variant in disease. Therefore, it has been classified as a Variant of Uncertain Significance.

Ambry Genetics
Classification: Uncertain significance for Inborn genetic diseases. Last evaluated: 2021-10-12. Review status: criteria provided, single submitter. Criteria: Ambry Variant Classification Scheme 2023. Collection method: clinical testing. Allele origin: germline.

Illumina Laboratory Services, Illumina
Classification: Uncertain significance for Congenital myasthenic syndrome 9. Last evaluated: 2018-01-12. Review status: criteria provided, single submitter. Criteria: ICSL Variant Classification Criteria 13 December 2019. Collection method: clinical testing. Allele origin: germline.

Athena Diagnostics
Classification: Uncertain significance. Last evaluated: 2017-10-02. Review status: criteria provided, single submitter. Criteria: Athena Diagnostics Criteria. Collection method: clinical testing. Allele origin: germline.

NM_005592.4(MUSK):c.1099C>T (p.Arg367Trp)

Gene: MUSK (muscle associated receptor tyrosine kinase; plus strand). Cytogenetic location: 9q31.3.
Variant type: single nucleotide variant.
Coding change: c.1099C>T on transcript NM_005592.4 (MANE Select); coding-DNA position 1099, C replaced by T.
Protein change: p.Arg367Trp; replaces arginine 367 with tryptophan.
Molecular consequence: missense variant. On other transcripts: 5 prime UTR variant (1), intron variant (2).
Genome position (GRCh38, 1-based): chr9:110,767,998, C>T. VCF-style: chr9-110767998-C-T. GRCh37 (hg19) VCF-style: chr9-113530278-C-T.
Other names: c.-138C>T (NM_001369398.1); c.950+5790C>T (NM_001166280.2); c.920+5790C>T (NM_001166281.2); short protein forms R367W.
Identifiers: ClinVar variation 364605 (VCV000364605.14), dbSNP rs201014623, ClinGen allele CA5184273.